The following is an entry in ClinVar:

ClinVar aggregate classification (germline): Uncertain significance (1 of 4 stars; one submission).

gnomAD v4.1: 2 of 1,614,058 alleles (0.00012%); highest among the groups gnomAD compares: Non-Finnish European, 0.00017%; no homozygotes.

Submission:

CeGaT Center for Human Genetics Tuebingen
Classification: Uncertain significance. Last evaluated: 2025-02-01. Review status: criteria provided, single submitter. Criteria: CeGaT Center For Human Genetics Tuebingen Variant Classification Criteria Version 2. Collection method: clinical testing. Allele origin: germline. Affected: yes. Observed: 1 variant allele.
Comment: SCARB2: PM2, BP4

NM_005506.4(SCARB2):c.1398+3G>A

Gene: SCARB2 (scavenger receptor class B member 2; minus strand). Cytogenetic location: 4q21.1.
Variant type: single nucleotide variant.
Coding change: c.1398+3G>A on transcript NM_005506.4 (MANE Select); 3 bases into the intron after coding-DNA position 1398, G replaced by A.
Molecular consequence: intron variant.
Genome position (GRCh38, 1-based): chr4:76,163,222, C>T on the plus strand (G>A on the coding strand, the complement: SCARB2 is on the minus strand). VCF-style: chr4-76163222-C-T. GRCh37 (hg19) VCF-style: chr4-77084375-C-T.
Other names: c.969+3G>A (NM_001204255.2).
Identifiers: ClinVar variation 3772403 (VCV003772403.13).